The following is an entry in ClinVar:

ClinVar aggregate classification (germline): Benign/Likely benign. Review status: criteria provided, multiple submitters, no conflicts (2 of 4 stars). 8 submissions from 8 submitters: Benign (2); Likely benign (3). 3 of the submissions do not count toward it. Last evaluated 2026-02-01.

Conditions:
Fraser syndrome 1 (FRASRS1). Also called: CRYPTOPHTHALMOS WITH OTHER MALFORMATIONS. Identifiers: Orphanet 2052, MedGen C4551480, MONDO:0054737, OMIM 219000.
FRAS1-related disorder. Also called: FRAS1-related condition.

Allele frequency attached by ClinVar (database versions not stated): 1000 Genomes Project 0.00140; 1000 Genomes Project 30x 0.00203; TOPMed 0.00282; ESP Exome Variant Server 0.00357.
gnomAD v4.1: 5,177 of 1,613,018 alleles (0.32%); highest among the groups gnomAD compares: Middle Eastern, 0.5%; 11 homozygotes.

Submissions (8):

Labcorp Genetics (formerly Invitae), Labcorp
Classification: Benign. Last evaluated: 2026-02-01. Review status: criteria provided, single submitter. Criteria: Invitae Variant Classification Sherloc (09022015). Collection method: clinical testing. Allele origin: germline.

Blueprint Genetics
Classification: Likely benign. Last evaluated: 2024-11-20. Review status: criteria provided, single submitter. Criteria: ACMG Guidelines, 2015. Collection method: clinical testing. Allele origin: germline.

Fulgent Genetics
Classification: Likely benign for Fraser syndrome 1. Last evaluated: 2021-08-02. Review status: criteria provided, single submitter. Criteria: ACMG Guidelines, 2015. Collection method: clinical testing. Allele origin: unknown.

Genetic Services Laboratory, University of Chicago
Classification: Benign. Last evaluated: 2020-02-14. Review status: criteria provided, single submitter. Criteria: ACMG Guidelines, 2015. Collection method: clinical testing. Allele origin: germline. Affected: no.

Illumina Laboratory Services, Illumina
Classification: Likely benign for Fraser syndrome 1. Last evaluated: 2018-01-13. Review status: criteria provided, single submitter. Criteria: ICSL Variant Classification Criteria 13 December 2019. Collection method: clinical testing. Allele origin: germline.
Comment: This variant was observed in the ICSL laboratory as part of a predisposition screen in an ostensibly healthy population. It had not been previously curated by ICSL or reported in the Human Gene Mutation Database (HGMD: prior to June 1st, 2018), and was therefore a candidate for classification through an automated scoring system. Utilizing variant allele frequency, disease prevalence and penetrance estimates, and inheritance mode, an automated score was calculated to assess if this variant is too frequent to cause the disease. Based on the score and internal cut-off values, a variant classified as likely benign is not then subjected to further curation. The score for this variant resulted in a classification of likely benign for this disease.

PreventionGenetics, part of Exact Sciences
Classification: Benign for FRAS1-related condition. Last evaluated: 2020-05-19. Review status: no assertion criteria provided. Collection method: clinical testing. Allele origin: germline. Not counted in ClinVar's aggregate classification.
Comment: This variant is classified as benign based on ACMG/AMP sequence variant interpretation guidelines (Richards et al. 2015 PMID: 25741868, with internal and published modifications).

Clinical Genetics DNA and cytogenetics Diagnostics Lab, Erasmus MC, Erasmus Medical Center
Classification: Likely benign. Review status: no assertion criteria provided. Collection method: clinical testing. Allele origin: germline. Affected: yes. Study: VKGL Data-share Consensus. Not counted in ClinVar's aggregate classification.

Genome Diagnostics Laboratory, University Medical Center Utrecht
Classification: Benign. Review status: no assertion criteria provided. Collection method: clinical testing. Allele origin: germline. Affected: yes. Study: VKGL Data-share Consensus. Not counted in ClinVar's aggregate classification.

NM_025074.7(FRAS1):c.7029+9A>C

Gene: FRAS1 (Fraser extracellular matrix complex subunit 1; plus strand). Cytogenetic location: 4q21.21.
Variant type: single nucleotide variant.
Coding change: c.7029+9A>C on transcript NM_025074.7 (MANE Select); 9 bases into the intron after coding-DNA position 7029, A replaced by C.
Molecular consequence: intron variant.
Genome position (GRCh38, 1-based): chr4:78,464,592, A>C. VCF-style: chr4-78464592-A-C. GRCh37 (hg19) VCF-style: chr4-79385746-A-C.
Identifiers: ClinVar variation 349747 (VCV000349747.23), dbSNP rs188606284, ClinGen allele CA2977960.